The following is an entry in ClinVar:

ClinVar aggregate classification (germline): Uncertain significance (1 of 4 stars; one submission).

Conditions:
ABCG8-related disorder. Also called: ABCG8-related condition.

Submission:

PreventionGenetics, part of Exact Sciences
Classification: Uncertain significance for ABCG8-related condition. Last evaluated: 2025-03-14. Review status: criteria provided, single submitter. Criteria: ACMG Guidelines, 2015. Collection method: clinical testing. Allele origin: germline.
Comment: The ABCG8 c.782G>T variant is predicted to result in the amino acid substitution p.Gly261Val. This variant was reported in an individual with familial Hypercholesterolemia (Table 2, Reeskamp et al. 2020. PubMed ID: 32088153). This variant has not been reported in a large population database (gnomAD), indicating this variant is rare. At this time, the clinical significance of this variant is uncertain due to the absence of conclusive functional and genetic evidence.

NM_022437.3(ABCG8):c.782G>T (p.Gly261Val)

Gene: ABCG8 (ATP binding cassette subfamily G member 8; plus strand). Cytogenetic location: 2p21.
Variant type: single nucleotide variant.
Coding change: c.782G>T on transcript NM_022437.3 (MANE Select); coding-DNA position 782, G replaced by T.
Protein change: p.Gly261Val; replaces glycine 261 with valine.
Molecular consequence: missense variant.
Genome position (GRCh38, 1-based): chr2:43,852,686, G>T. VCF-style: chr2-43852686-G-T. GRCh37 (hg19) VCF-style: chr2-44079825-G-T.
Other names: c.782G>T, p.Gly261Val (NM_001357321.2); short protein forms G261V.
Identifiers: ClinVar variation 4987219 (VCV004987219.1).